The following is an entry in ClinVar:

NM_001267550.2(TTN):c.54652C>T (p.Arg18218Ter)

Genes: TTN (titin; minus strand), TTN-AS1 (TTN antisense RNA 1; plus strand). Cytogenetic location: 2q31.2.
Variant type: single nucleotide variant.
Coding change: c.54652C>T on transcript NM_001267550.2 (MANE Select); coding-DNA position 54652, C replaced by T.
Protein change: p.Arg18218Ter; replaces arginine 18218 with a stop codon.
Molecular consequence: nonsense.
Genome position (GRCh38, 1-based): chr2:178,604,035, G>A on the plus strand (C>T on the coding strand, the complement: TTN is on the minus strand). VCF-style: chr2-178604035-G-A. GRCh37 (hg19) VCF-style: chr2-179468762-G-A.
Other names: c.49729C>T, p.Arg16577Ter (NM_001256850.1); c.27457C>T, p.Arg9153Ter (NM_003319.4); c.46948C>T, p.Arg15650Ter (NM_133378.4); c.27832C>T, p.Arg9278Ter (NM_133432.3); c.28033C>T, p.Arg9345Ter (NM_133437.4); short protein forms R9153*, R18218*, R15650*, R16577*, R9278*, R9345*.
Identifiers: ClinVar variation 1795471 (VCV001795471.12), dbSNP rs775367836, ClinGen allele CA1993596.
Genomic context (GRCh38, chr2:178,604,035, plus strand): 5'-CAAGCAAACGAGGAACATTAAATTCCACGCCTTTCAATCCCACTTTGGTTATTGGTGCTC[G>A]GCTAACACGTGACCAATAAGGACTTCCCTCTTCTCTTTTCTCCAGCCAGTAGCCAGTAAT-3'

ClinVar aggregate classification (germline): Likely pathogenic. Review status: criteria provided, multiple submitters, no conflicts (2 of 4 stars). 6 submissions from 6 submitters: Likely pathogenic (6). Last evaluated 2026-09-01.

Conditions:
Cardiovascular phenotype. Identifiers: MedGen CN230736.
Dilated cardiomyopathy 1G (CMD1G). Identifiers: Orphanet 154, MedGen C1858763, MONDO:0011400, OMIM 604145.
Autosomal recessive limb-girdle muscular dystrophy type 2J (LGMDR10). Also called: MUSCULAR DYSTROPHY, LIMB-GIRDLE, AUTOSOMAL RECESSIVE 10; Limb-girdle muscular dystrophy, type 2J. Identifiers: Orphanet 140922, MedGen C1837342, MONDO:0012127, OMIM 608807.
TTN-related disorder. Also called: TTN-related condition; TTN-related disease; TTN-related disorders.

Allele frequency attached by ClinVar (database versions not stated): gnomAD exomes below 0.00001; TOPMed below 0.00001; gnomAD 0.00001; ExAC 0.00002.
gnomAD v4.1: 4 of 1,612,710 alleles (0.00025%); highest among the groups gnomAD compares: Non-Finnish European, 0.00034%; no homozygotes.

Submissions (6):

CeGaT Center for Human Genetics Tuebingen
Classification: Likely pathogenic. Last evaluated: 2026-09-01. Review status: criteria provided, single submitter. Criteria: CeGaT Center For Human Genetics Tuebingen Variant Classification Criteria Version 2. Collection method: clinical testing. Allele origin: germline. Affected: yes. Observed: 1 variant allele.
Comment: TTN: PVS1:Strong, PM2

PreventionGenetics, part of Exact Sciences
Classification: Likely pathogenic for TTN-related condition. Last evaluated: 2026-08-26. Review status: criteria provided, single submitter. Criteria: ACMG Guidelines, 2015. Collection method: clinical testing. Allele origin: germline.
Comment: The TTN c.54652C>T variant is predicted to result in premature protein termination (p.Arg18218*). To our knowledge, this variant has not been reported in the literature. This variant is reported in 0.0056% of alleles in individuals of East Asian descent in gnomAD. The c.54652C>T variant is located in exon 283 of the A-band region of the protein in which truncating TTN variants have been found more frequently in dilated cardiomyopathy patients than in controls (Herman et al. 2012. PubMed ID: 22335739). RNAseq studies from heart tissue indicate this exon is commonly included in TTN mRNA transcripts (PSI of 94%-100%, Roberts et al. 2015. PMID: 25589632). TTN truncating variants are reported in 1-2% of presumably healthy individuals, but occur more frequently in exons with low PSI values (Roberts et al. 2015. PMID: 25589632; Herman et al. 2012. PMID: 22335739). In summary, the c.54652C>T variant is likely pathogenic for autosomal recessive and dominant TTN-related disorders.

Labcorp Genetics (formerly Invitae), Labcorp
Classification: Likely pathogenic for Dilated cardiomyopathy 1G; Autosomal recessive limb-girdle muscular dystrophy type 2J. Last evaluated: 2025-11-12. Review status: criteria provided, single submitter. Criteria: Invitae Variant Classification Sherloc (09022015). Collection method: clinical testing. Allele origin: germline.
Comment: This sequence change creates a premature translational stop signal (p.Arg18218*) in the TTN gene. While this is not anticipated to result in nonsense mediated decay, it is expected to create a truncated TTN protein. This variant is present in population databases (rs775367836, gnomAD 0.006%). This variant has not been reported in the literature in individuals affected with TTN-related conditions. ClinVar contains an entry for this variant (Variation ID: 1795471). This variant is located in the A band of TTN (PMID: 25589632). Truncating variants in this region are significantly overrepresented in patients affected with dilated cardiomyopathy (PMID: 25589632). Truncating variants in this region have also been reported in individuals affected with autosomal recessive centronuclear myopathy (PMID: 23975875). In summary, the currently available evidence indicates that the variant is pathogenic, but additional data are needed to prove that conclusively. Therefore, this variant has been classified as Likely Pathogenic.

Ambry Genetics
Classification: Likely pathogenic for Cardiovascular phenotype. Last evaluated: 2023-06-26. Review status: criteria provided, single submitter. Criteria: Ambry Variant Classification Scheme 2023. Collection method: clinical testing. Allele origin: germline.
Comment: The p.R9153* variant (also known as c.27457C>T), located in coding exon 109 of the TTN gene, results from a C to T substitution at nucleotide position 27457. This changes the amino acid from an arginine to a stop codon within coding exon 109. This exon is located in the A-band region of the N2-B isoform of the titin protein and is constitutively expressed in TTN transcripts (percent spliced in or PSI 100%). This alteration is expected to result in loss of function by premature protein truncation or nonsense-mediated mRNA decay. While truncating variants in TTN are present in 1-3% of the general population, truncating variants in the A-band are the most common cause of dilated cardiomyopathy (DCM) (Herman DS et al. N. Engl. J. Med., 2012 Feb;366:619-28; Roberts AM et al. Sci Transl Med, 2015 Jan;7:270ra6). TTN truncating variants encoded in constitutive exons (PSI >90%) have been found to be significantly associated with DCM regardless of their position in titin (Schafer S et al. Nat. Genet., 2017 01;49:46-53). As such, this alteration is classified as likely pathogenic.

Institute of Human Genetics, University of Leipzig Medical Center
Classification: Likely pathogenic for Dilated cardiomyopathy 1G. Last evaluated: 2022-12-09. Review status: criteria provided, single submitter. Criteria: ACMG Guidelines, 2015. Collection method: clinical testing. Allele origin: unknown.
Comment: _x000D_ Criteria applied: PVS1, PM2_SUP

Blueprint Genetics
Classification: Likely pathogenic for TTN-related disorders. Last evaluated: 2022-11-18. Review status: criteria provided, single submitter. Criteria: ACMG Guidelines, 2015. Collection method: clinical testing. Allele origin: germline. Affected: yes. Observed: 1 variant allele.

Literature cited by the submitters: PubMed 25589632 (cited by Labcorp Genetics (formerly Invitae), Labcorp); PubMed 23975875 (cited by Labcorp Genetics (formerly Invitae), Labcorp).